The following is an entry in ClinVar:

NM_004606.5(TAF1):c.1943_1947+1del

Gene: TAF1 (TATA-box binding protein associated factor 1; plus strand). Cytogenetic location: Xq13.1.
Variant type: Deletion.
Coding change: c.1943_1947+1del on transcript NM_004606.5 (MANE Select); coding-DNA position 1943 through the canonical splice donor site of the intron after coding-DNA position 1947, 6 bases deleted (CCAAGG; older notation c.1943_1947+1delCCAAGG).
Molecular consequence: splice donor variant.
Genome position (GRCh38, 1-based): chrX:71,383,160-71,383,165, CCAAGG deleted; deleting any 6 consecutive bases within chrX:71,383,156-71,383,165 gives the same sequence; the c. name uses the placement nearest the transcript's 3' end. VCF-style (leftmost placement, unchanged base first): chrX-71383155-AAAGGCC-A. GRCh37 (hg19) VCF-style: chrX-70603005-AAAGGCC-A.
Other names: c.1943_1947+1del (NM_001286074.2); c.1880_1884+1del (NM_138923.4).
Identifiers: ClinVar variation 2430292 (VCV002430292.2), dbSNP rs2520226008, ClinGen allele CA2580101355.

ClinVar aggregate classification (germline): Pathogenic (1 of 4 stars; one submission).

Submission:

Centre of Medical Genetics, University Hospital Muenster
Classification: Pathogenic. Last evaluated: 2021-12-04. Review status: criteria provided, single submitter. Criteria: ACMG Guidelines, 2015. Collection method: clinical testing. Allele origin: de novo. Affected: yes. Observed: 1 variant allele, 1 heterozygote.
Comment: ACMG categories: PVS1,PS2,PM2,PP4